The following is an entry in ClinVar:

NM_006269.2(RP1):c.1426C>A (p.Gln476Lys)

Gene: RP1 (RP1 axonemal microtubule associated; plus strand). Cytogenetic location: 8q12.1.
Variant type: single nucleotide variant.
Coding change: c.1426C>A on transcript NM_006269.2 (MANE Select); coding-DNA position 1426, C replaced by A.
Protein change: p.Gln476Lys; replaces glutamine 476 with lysine.
Molecular consequence: missense variant. On other transcripts: intron variant (1).
Genome position (GRCh38, 1-based): chr8:54,625,308, C>A. VCF-style: chr8-54625308-C-A. GRCh37 (hg19) VCF-style: chr8-55537868-C-A.
Other names: c.787+3020C>A (NM_001375654.1); short protein forms Q476K.
Identifiers: ClinVar variation 2088198 (VCV002088198.4), dbSNP rs2536569528, ClinGen allele CA370990304.

ClinVar aggregate classification (germline): Uncertain significance (1 of 4 stars; one submission).

Submission:

Labcorp Genetics (formerly Invitae), Labcorp
Classification: Uncertain significance. Last evaluated: 2024-02-24. Review status: criteria provided, single submitter. Criteria: Invitae Variant Classification Sherloc (09022015). Collection method: clinical testing. Allele origin: germline.
Comment: This sequence change replaces glutamine, which is neutral and polar, with lysine, which is basic and polar, at codon 476 of the RP1 protein (p.Gln476Lys). This variant is not present in population databases (gnomAD no frequency). This variant has not been reported in the literature in individuals affected with RP1-related conditions. ClinVar contains an entry for this variant (Variation ID: 2088198). An algorithm developed to predict the effect of missense changes on protein structure and function (PolyPhen-2) suggests that this variant is likely to be tolerated. In summary, the available evidence is currently insufficient to determine the role of this variant in disease. Therefore, it has been classified as a Variant of Uncertain Significance.